The following is an entry in ClinVar:

NM_000098.3(CPT2):c.517C>T (p.Pro173Ser)

Gene: CPT2 (carnitine palmitoyltransferase 2; plus strand). Cytogenetic location: 1p32.3.
Variant type: single nucleotide variant.
Coding change: c.517C>T on transcript NM_000098.3 (MANE Select); coding-DNA position 517, C replaced by T.
Protein change: p.Pro173Ser; replaces proline 173 with serine.
Molecular consequence: missense variant.
Genome position (GRCh38, 1-based): chr1:53,210,191, C>T. VCF-style: chr1-53210191-C-T. GRCh37 (hg19) VCF-style: chr1-53675863-C-T.
Other names: c.517C>T, p.Pro173Ser (NM_001330589.2); short protein forms P173S.
Identifiers: ClinVar variation 3902209 (VCV003902209.1).

ClinVar aggregate classification (germline): Uncertain significance (1 of 4 stars; one submission).

Submission:

Women's Health and Genetics/Laboratory Corporation of America, LabCorp
Classification: Uncertain significance. Last evaluated: 2025-05-14. Review status: criteria provided, single submitter. Criteria: LabCorp Variant Classification Summary - May 2015. Collection method: clinical testing. Allele origin: germline.
Comment: Variant summary: CPT2 c.517C>T (p.Pro173Ser) results in a non-conservative amino acid change in the encoded protein sequence. Algorithms developed to predict the effect of missense changes on protein structure and function all suggest that this variant is likely to be disruptive. The variant was absent in 251466 control chromosomes. The available data on variant occurrences in the general population are insufficient to allow any conclusion about variant significance. c.517C>T has been observed in one individual affected with Carnitine Palmitoyltransferase II Deficiency (Fanin_2012). These data do not allow any conclusion about variant significance. To our knowledge, no experimental evidence demonstrating an impact on protein function has been reported. The following publication has been ascertained in the context of this evaluation (PMID: 21913903). No submitters have cited clinical-significance assessments for this variant to ClinVar. Based on the evidence outlined above, the variant was classified as uncertain significance.

Literature cited by the submitters: PubMed 21913903.